The following is an entry in ClinVar:

NM_182914.3(SYNE2):c.6764A>G (p.Gln2255Arg)

Gene: SYNE2 (spectrin repeat containing nuclear envelope protein 2; plus strand). Cytogenetic location: 14q23.2.
Variant type: single nucleotide variant.
Coding change: c.6764A>G on transcript NM_182914.3 (MANE Select); coding-DNA position 6764, A replaced by G.
Protein change: p.Gln2255Arg; replaces glutamine 2255 with arginine.
Molecular consequence: missense variant.
Genome position (GRCh38, 1-based): chr14:64,029,944, A>G. VCF-style: chr14-64029944-A-G. GRCh37 (hg19) VCF-style: chr14-64496662-A-G.
Other names: c.6764A>G, p.Gln2255Arg (NM_015180.6); short protein forms Q2255R.
Identifiers: ClinVar variation 567016 (VCV000567016.9), dbSNP rs750058499, ClinGen allele CA7220779.

ClinVar aggregate classification (germline): Uncertain significance. Review status: criteria provided, multiple submitters, no conflicts (2 of 4 stars). 2 submissions from 2 submitters: Uncertain significance (2). Last evaluated 2025-09-01.

Conditions:
Emery-Dreifuss muscular dystrophy 5, autosomal dominant (EDMD5). Also called: EMERY-DREIFUSS MUSCULAR DYSTROPHY 5. Identifiers: Orphanet 261, MedGen C2751805, MONDO:0013072, OMIM 612999.

Allele frequency attached by ClinVar (database versions not stated): ExAC 0.00001; gnomAD 0.00001; gnomAD exomes 0.00001; TOPMed 0.00001.
gnomAD v4.1: 13 of 1,614,004 alleles (0.00081%); highest among the groups gnomAD compares: Non-Finnish European, 0.0011%; no homozygotes.

Submissions (2):

Ambry Genetics
Classification: Uncertain significance. Last evaluated: 2025-09-01. Review status: criteria provided, single submitter. Criteria: Ambry Variant Classification Scheme 2023. Collection method: clinical testing. Allele origin: germline.

Labcorp Genetics (formerly Invitae), Labcorp
Classification: Uncertain significance for Emery-Dreifuss muscular dystrophy 5, autosomal dominant. Last evaluated: 2023-11-19. Review status: criteria provided, single submitter. Criteria: Invitae Variant Classification Sherloc (09022015). Collection method: clinical testing. Allele origin: germline.
Comment: This sequence change replaces glutamine, which is neutral and polar, with arginine, which is basic and polar, at codon 2255 of the SYNE2 protein (p.Gln2255Arg). This variant is present in population databases (rs750058499, gnomAD 0.003%). This variant has not been reported in the literature in individuals affected with SYNE2-related conditions. ClinVar contains an entry for this variant (Variation ID: 567016). An algorithm developed to predict the effect of missense changes on protein structure and function (PolyPhen-2) suggests that this variant is likely to be disruptive. In summary, the available evidence is currently insufficient to determine the role of this variant in disease. Therefore, it has been classified as a Variant of Uncertain Significance.